The following is an entry in ClinVar:

NM_000416.3(IFNGR1):c.85+5C>A

Gene: IFNGR1 (interferon gamma receptor 1; minus strand). Cytogenetic location: 6q23.3.
Variant type: single nucleotide variant.
Coding change: c.85+5C>A on transcript NM_000416.3 (MANE Select); 5 bases into the intron after coding-DNA position 85, C replaced by A.
Molecular consequence: intron variant.
Genome position (GRCh38, 1-based): chr6:137,219,238, G>T on the plus strand (C>A on the coding strand, the complement: IFNGR1 is on the minus strand). VCF-style: chr6-137219238-G-T. GRCh37 (hg19) VCF-style: chr6-137540375-G-T.
Identifiers: ClinVar variation 4766413 (VCV004766413.1).

ClinVar aggregate classification (germline): Uncertain significance (1 of 4 stars; one submission).

Conditions:
Disseminated atypical mycobacterial infection. Identifiers: MedGen C0694566.

gnomAD v4.1: 4 of 1,607,828 alleles (0.00025%); highest among the groups gnomAD compares: Non-Finnish European, 0.00034%; no homozygotes.

Submission:

Labcorp Genetics (formerly Invitae), Labcorp
Classification: Uncertain significance for Disseminated atypical mycobacterial infection. Last evaluated: 2025-07-21. Review status: criteria provided, single submitter. Criteria: Invitae Variant Classification Sherloc (09022015). Collection method: clinical testing. Allele origin: germline.
Comment: This sequence change falls in intron 1 of the IFNGR1 gene. It does not directly change the encoded amino acid sequence of the IFNGR1 protein. It affects a nucleotide within the consensus splice site. This variant is not present in population databases (gnomAD no frequency). This variant has not been reported in the literature in individuals affected with IFNGR1-related conditions. Variants that disrupt the consensus splice site are a relatively common cause of aberrant splicing (PMID: 17576681, 9536098). Algorithms developed to predict the effect of sequence changes on RNA splicing suggest that this variant is not likely to affect RNA splicing. In summary, the available evidence is currently insufficient to determine the role of this variant in disease. Therefore, it has been classified as a Variant of Uncertain Significance.

Literature cited by the submitters: PubMed 17576681; PubMed 9536098.